The following is an entry in ClinVar:

NM_205768.3(ZBTB18):c.145G>A (p.Ala49Thr)

Gene: ZBTB18 (zinc finger and BTB domain containing 18; plus strand). Cytogenetic location: 1q44.
Variant type: single nucleotide variant.
Coding change: c.145G>A on transcript NM_205768.3 (MANE Select); coding-DNA position 145, G replaced by A.
Protein change: p.Ala49Thr; replaces alanine 49 with threonine.
Molecular consequence: missense variant.
Genome position (GRCh38, 1-based): chr1:244,053,919, G>A. VCF-style: chr1-244053919-G-A. GRCh37 (hg19) VCF-style: chr1-244217221-G-A.
Other names: c.118G>A, p.Ala40Thr (NM_001278196.2, NM_006352.5); c.145G>A, p.Ala49Thr (NM_001421566.1); short protein forms A40T, A49T.
Identifiers: ClinVar variation 4531147 (VCV004531147.1).
Genomic context (GRCh38, chr1:244,053,919, plus strand): 5'-CAGGGTTTTCTTTGTGACTGCACTGTTCTGGTGGGAGATGCCCAGTTCCGAGCGCACCGA[G>A]CTGTACTGGCTTCATGCAGCATGTATTTCCACCTCTTTTACAAGGACCAGCTGGACAAAA-3'
Protein context (NP_991331.1, residues 39-59): VGDAQFRAHR[Ala49Thr]VLASCSMYFH

ClinVar aggregate classification (germline): Uncertain significance (1 of 4 stars; one submission).

Submission:

GeneDx
Classification: Uncertain significance. Last evaluated: 2025-05-21. Review status: criteria provided, single submitter. Criteria: GeneDx Variant Classification Process June 2021. Collection method: clinical testing. Allele origin: germline. Affected: yes.
Comment: Not observed at significant frequency in large population cohorts (gnomAD); In silico analysis supports that this missense variant has a deleterious effect on protein structure/function; Has not been previously published as pathogenic or benign to our knowledge